The following is an entry in ClinVar:

NM_000537.4(REN):c.637A>T (p.Ile213Phe)

Gene: REN (renin; minus strand). Cytogenetic location: 1q32.1.
Variant type: single nucleotide variant.
Coding change: c.637A>T on transcript NM_000537.4 (MANE Select); coding-DNA position 637, A replaced by T.
Protein change: p.Ile213Phe; replaces isoleucine 213 with phenylalanine.
Molecular consequence: missense variant.
Genome position (GRCh38, 1-based): chr1:204,159,451, T>A on the plus strand (A>T on the coding strand, the complement: REN is on the minus strand). VCF-style: chr1-204159451-T-A. GRCh37 (hg19) VCF-style: chr1-204128579-T-A.
Other names: short protein forms I213F.
Identifiers: ClinVar variation 4875183 (VCV004875183.2).

ClinVar aggregate classification (germline): Uncertain significance (1 of 4 stars; one submission).

Submission:

CeGaT Center for Human Genetics Tuebingen
Classification: Uncertain significance. Last evaluated: 2026-06-01. Review status: criteria provided, single submitter. Criteria: CeGaT Center For Human Genetics Tuebingen Variant Classification Criteria Version 2. Collection method: clinical testing. Allele origin: germline. Affected: yes. Observed: 1 variant allele.
Comment: REN: PM2